The following is an entry in ClinVar:

NM_001365276.2(TNXB):c.6419G>A (p.Arg2140His)

Gene: TNXB (tenascin XB; minus strand). Cytogenetic location: 6p21.33.
Variant type: single nucleotide variant.
Coding change: c.6419G>A on transcript NM_001365276.2 (MANE Select); coding-DNA position 6419, G replaced by A.
Protein change: p.Arg2140His; replaces arginine 2140 with histidine.
Molecular consequence: missense variant.
Genome position (GRCh38, 1-based): chr6:32,067,786, C>T on the plus strand (G>A on the coding strand, the complement: TNXB is on the minus strand). VCF-style: chr6-32067786-C-T. GRCh37 (hg19) VCF-style: chr6-32035563-C-T.
Other names: c.6419G>A, p.Arg2140His (NM_019105.8); short protein forms R2140H.
Identifiers: ClinVar variation 2464184 (VCV002464184.2), dbSNP rs894895808, ClinGen allele CA136886044.
Genomic context (GRCh38, chr6:32,067,786, plus strand): 5'-TTGTACTTGCGCCCAGGCTCCAGGCCCCCCACGGTGACTTCACTCTCCTCGCCCCCAACA[C>T]GCACCACCTGGGGCCGCCCGTCCCTGTCCTTGTACTGCACGGTGAAGGAGTCGAAGCGGC-3'
Protein context (NP_001352205.1, residues 2130-2150): KDRDGRPQVV[Arg2140His]VGGEESEVTV

ClinVar aggregate classification (germline): Uncertain significance (1 of 4 stars; one submission).

Conditions:
Cardiovascular phenotype. Identifiers: MedGen CN230736.

Allele frequency attached by ClinVar (database versions not stated): gnomAD exomes 0.00001; gnomAD 0.00002; TOPMed 0.00003.
gnomAD v4.1: 13 of 1,613,536 alleles (0.00081%); highest among the groups gnomAD compares: African/African-American, 0.0013%; no homozygotes.

Submission:

Ambry Genetics
Classification: Uncertain significance for Cardiovascular phenotype. Last evaluated: 2023-01-13. Review status: criteria provided, single submitter. Criteria: Ambry Variant Classification Scheme 2023. Collection method: clinical testing. Allele origin: germline.
Comment: The p.R2140H variant (also known as c.6419G>A), located in coding exon 17 of the TNXB gene, results from a G to A substitution at nucleotide position 6419. The arginine at codon 2140 is replaced by histidine, an amino acid with highly similar properties. This amino acid position is conserved. In addition, this alteration is predicted to be tolerated by in silico analysis. Since supporting evidence is limited at this time, the clinical significance of this alteration remains unclear.